The following is an entry in ClinVar:

NM_000350.3(ABCA4):c.858+2T>A

Gene: ABCA4 (ATP binding cassette subfamily A member 4; minus strand). Cytogenetic location: 1p22.1.
Variant type: single nucleotide variant.
Coding change: c.858+2T>A on transcript NM_000350.3 (MANE Select); the canonical splice donor site of the intron after coding-DNA position 858, T replaced by A.
Molecular consequence: splice donor variant.
Genome position (GRCh38, 1-based): chr1:94,083,350, A>T on the plus strand (T>A on the coding strand, the complement: ABCA4 is on the minus strand). VCF-style: chr1-94083350-A-T. GRCh37 (hg19) VCF-style: chr1-94548906-A-T.
Identifiers: ClinVar variation 2733946 (VCV002733946.3), dbSNP rs1661749935, ClinGen allele CA341284834.

ClinVar aggregate classification (germline): Pathogenic (1 of 4 stars; one submission).

Allele frequency attached by ClinVar (database versions not stated): gnomAD 0.00001.
gnomAD v4.1: 1 of 1,599,236 alleles (0.000063%); highest among the groups gnomAD compares: Admixed American, 0.0017%; no homozygotes.

Submission:

Labcorp Genetics (formerly Invitae), Labcorp
Classification: Pathogenic. Last evaluated: 2023-02-16. Review status: criteria provided, single submitter. Criteria: Invitae Variant Classification Sherloc (09022015). Collection method: clinical testing. Allele origin: germline.
Comment: This sequence change affects a donor splice site in intron 7 of the ABCA4 gene. It is expected to disrupt RNA splicing. Variants that disrupt the donor or acceptor splice site typically lead to a loss of protein function (PMID: 16199547), and loss-of-function variants in ABCA4 are known to be pathogenic (PMID: 10958761, 24938718, 25312043, 26780318). This variant is not present in population databases (gnomAD no frequency). Disruption of this splice site has been observed in individuals with autosomal recessive inherited retinal dystrophy (PMID: 24938718, 32531858). Algorithms developed to predict the effect of sequence changes on RNA splicing suggest that this variant may disrupt the consensus splice site. For these reasons, this variant has been classified as Pathogenic.

Literature cited by the submitters: PubMed 16199547; PubMed 10958761; PubMed 24938718; PubMed 25312043; PubMed 26780318; PubMed 32531858.